The following is an entry in ClinVar:

ClinVar aggregate classification (germline): Uncertain significance (1 of 4 stars; one submission).

Conditions:
Hereditary cancer-predisposing syndrome. Also called: Neoplastic Syndromes, Hereditary; Tumor predisposition; Hereditary Cancer Syndrome; Hereditary neoplastic syndrome. Identifiers: Orphanet 140162, MedGen C0027672, MeSH D009386, MONDO:0015356.

Submission:

Ambry Genetics
Classification: Uncertain significance for Hereditary cancer-predisposing syndrome. Last evaluated: 2021-06-23. Review status: criteria provided, single submitter. Criteria: Ambry Variant Classification Scheme 2023. Collection method: clinical testing. Allele origin: germline.
Comment: The p.Q537R variant (also known as c.1610A>G), located in coding exon 10 of the RAD50 gene, results from an A to G substitution at nucleotide position 1610. The glutamine at codon 537 is replaced by arginine, an amino acid with highly similar properties. This amino acid position is conserved. In addition, the in silico prediction for this alteration is inconclusive. Since supporting evidence is limited at this time, the clinical significance of this alteration remains unclear.

NM_005732.4(RAD50):c.1610A>G (p.Gln537Arg)

Gene: RAD50 (RAD50 double strand break repair protein; plus strand). Cytogenetic location: 5q31.1.
Variant type: single nucleotide variant.
Coding change: c.1610A>G on transcript NM_005732.4 (MANE Select); coding-DNA position 1610, A replaced by G.
Protein change: p.Gln537Arg; replaces glutamine 537 with arginine.
Molecular consequence: missense variant.
Genome position (GRCh38, 1-based): chr5:132,591,381, A>G. VCF-style: chr5-132591381-A-G. GRCh37 (hg19) VCF-style: chr5-131927073-A-G.
Other names: short protein forms Q537R.
Identifiers: ClinVar variation 1776376 (VCV001776376.2), dbSNP rs773504309, ClinGen allele CA360946112.